The following is an entry in ClinVar:

NM_207361.6(FREM2):c.685C>T (p.Arg229Cys)

Gene: FREM2 (FRAS1 related extracellular matrix 2; plus strand). Cytogenetic location: 13q13.3.
Variant type: single nucleotide variant.
Coding change: c.685C>T on transcript NM_207361.6 (MANE Select); coding-DNA position 685, C replaced by T.
Protein change: p.Arg229Cys; replaces arginine 229 with cysteine.
Molecular consequence: missense variant.
Genome position (GRCh38, 1-based): chr13:38,688,029, C>T. VCF-style: chr13-38688029-C-T. GRCh37 (hg19) VCF-style: chr13-39262166-C-T.
Other names: c.685C>T (NM_207361.5, NM_207361.4); short protein forms R229C.
Identifiers: ClinVar variation 2137488 (VCV002137488.5), dbSNP rs551818565, ClinGen allele CA6954257.

ClinVar aggregate classification (germline): Uncertain significance. Review status: criteria provided, multiple submitters, no conflicts (2 of 4 stars). 5 submissions from 5 submitters: Uncertain significance (4). 1 of the submissions does not count toward it. Last evaluated 2025-12-22.

Conditions:
FREM2-related disorder. Also called: FREM2-related condition.
Fraser syndrome 2 (FRASRS2). Identifiers: MedGen C4540036, MONDO:0054738, OMIM 617666.
Isolated cryptophthalmia. Also called: Cryptophthalmos, unilateral or bilateral, isolated; ANKYLOBLEPHARON, SIMPLE. Identifiers: Orphanet 91396, MedGen C1852453, MONDO:0007410, OMIM 123570.

Allele frequency attached by ClinVar (database versions not stated): TOPMed 0.00003; gnomAD exomes 0.00008; gnomAD 0.00009; ExAC 0.00017; 1000 Genomes Project 30x 0.00031; 1000 Genomes Project 0.00040.
gnomAD v4.1: 135 of 1,610,640 alleles (0.0084%); highest among the groups gnomAD compares: South Asian, 0.13%; 1 homozygote.

Submissions (5):

Women's Health and Genetics/Laboratory Corporation of America, LabCorp
Classification: Uncertain significance. Last evaluated: 2025-12-22. Review status: criteria provided, single submitter. Criteria: LabCorp Variant Classification Summary - May 2015. Collection method: clinical testing. Allele origin: germline.
Comment: Variant summary: FREM2 c.685C>T (p.Arg229Cys) results in a non-conservative amino acid change in the encoded protein sequence. Algorithms developed to predict the effect of missense changes on protein structure and function are either unavailable or do not agree on the potential impact of this missense change. The variant allele was found at a frequency of 0.00015 in 248752 control chromosomes. This frequency is not significantly higher than estimated for disease-causing variants in FREM2, allowing no conclusion about variant significance. c.685C>T has been observed in individuals affected with Congenital anomalies of the kidney and urinary tract or nephrotic syndrome (Kohl_2014, Landini_2020). These reports do not provide unequivocal conclusions about association of the variant with Cryptophthalmos Syndrome. To our knowledge, no experimental evidence demonstrating an impact on protein function has been reported. The following publications have been ascertained in the context of this evaluation (PMID: 24700879, 31831576). ClinVar contains an entry for this variant (Variation ID: 2137488). Based on the evidence outlined above, the variant was classified as uncertain significance.

GeneDx
Classification: Uncertain significance. Last evaluated: 2025-08-12. Review status: criteria provided, single submitter. Criteria: GeneDx Variant Classification Process June 2021. Collection method: clinical testing. Allele origin: germline. Affected: yes.
Comment: Reported in trans with p.(D1607G) in a patient with bilateral uteropelvic junction obstruction and cardiomyopathy (PMID: 24700879); In silico analysis supports that this missense variant has a deleterious effect on protein structure/function; This variant is associated with the following publications: (PMID: 24700879)

Fulgent Genetics
Classification: Uncertain significance for Isolated cryptophthalmia; Fraser syndrome 2. Last evaluated: 2024-04-05. Review status: criteria provided, single submitter. Criteria: ACMG Guidelines, 2015. Collection method: clinical testing. Allele origin: germline.

Labcorp Genetics (formerly Invitae), Labcorp
Classification: Uncertain significance. Last evaluated: 2022-01-19. Review status: criteria provided, single submitter. Criteria: Invitae Variant Classification Sherloc (09022015). Collection method: clinical testing. Allele origin: germline.
Comment: This sequence change replaces arginine, which is basic and polar, with cysteine, which is neutral and slightly polar, at codon 229 of the FREM2 protein (p.Arg229Cys). This variant is present in population databases (rs551818565, gnomAD 0.1%). This variant has not been reported in the literature in individuals affected with FREM2-related conditions. Algorithms developed to predict the effect of missense changes on protein structure and function are either unavailable or do not agree on the potential impact of this missense change (SIFT: "Deleterious"; PolyPhen-2: "Probably Damaging"; Align-GVGD: "Class C0"). In summary, the available evidence is currently insufficient to determine the role of this variant in disease. Therefore, it has been classified as a Variant of Uncertain Significance.

PreventionGenetics, part of Exact Sciences
Classification: Uncertain significance for FREM2-related condition. Last evaluated: 2024-08-26. Review status: no assertion criteria provided. Collection method: clinical testing. Allele origin: germline. Not counted in ClinVar's aggregate classification.
Comment: The FREM2 c.685C>T variant is predicted to result in the amino acid substitution p.Arg229Cys. This variant has been reported in the compound heterozygous state in an individual with isolated congenital anomalies of the kidney and urinary tract (Kohl et al. 2014. PubMed ID: 24700879).This variant is reported in 0.11% of alleles in individuals of South Asian descent in gnomAD. At this time, the clinical significance of this variant is uncertain due to the absence of conclusive functional and genetic evidence.

Literature cited by the submitters: PubMed 24700879 (cited by Women's Health and Genetics/Laboratory Corporation of America, LabCorp); PubMed 31831576 (cited by Women's Health and Genetics/Laboratory Corporation of America, LabCorp).